The following is an entry in ClinVar:

NM_002485.5(NBN):c.1247T>G (p.Met416Arg)

Gene: NBN (nibrin; minus strand). Cytogenetic location: 8q21.3.
Variant type: single nucleotide variant.
Coding change: c.1247T>G on transcript NM_002485.5 (MANE Select); coding-DNA position 1247, T replaced by G.
Protein change: p.Met416Arg; replaces methionine 416 with arginine.
Molecular consequence: missense variant.
Genome position (GRCh38, 1-based): chr8:89,955,433, A>C on the plus strand (T>G on the coding strand, the complement: NBN is on the minus strand). VCF-style: chr8-89955433-A-C. GRCh37 (hg19) VCF-style: chr8-90967661-A-C.
Other names: c.1001T>G, p.Met334Arg (NM_001024688.3, NM_001440379.1, NM_001440380.1); short protein forms M416R, M334R.
Identifiers: ClinVar variation 5025385 (VCV005025385.1).

ClinVar aggregate classification (germline): Uncertain significance (1 of 4 stars; one submission).

Conditions:
Hereditary cancer-predisposing syndrome. Also called: Neoplastic Syndromes, Hereditary; Tumor predisposition; Hereditary neoplastic syndrome; Hereditary Cancer Syndrome. Identifiers: Orphanet 140162, MedGen C0027672, MeSH D009386, MONDO:0015356.

Submission:

Ambry Genetics
Classification: Uncertain significance for Hereditary cancer-predisposing syndrome. Last evaluated: 2026-07-06. Review status: criteria provided, single submitter. Criteria: Ambry Variant Classification Scheme 2023. Collection method: clinical testing. Allele origin: germline.
Comment: The p.M416R variant (also known as c.1247T>G), located in coding exon 10 of the NBN gene, results from a T to G substitution at nucleotide position 1247. The methionine at codon 416 is replaced by arginine, an amino acid with similar properties. This amino acid position is conserved. In addition, this alteration is predicted to be tolerated by in silico analysis. Based on the available evidence, the clinical significance of this variant remains unclear.